The following is an entry in ClinVar:

NM_000017.4(ACADS):c.1186G>A (p.Glu396Lys)

Gene: ACADS (acyl-CoA dehydrogenase short chain; plus strand). Cytogenetic location: 12q24.31.
Variant type: single nucleotide variant.
Coding change: c.1186G>A on transcript NM_000017.4 (MANE Select); coding-DNA position 1186, G replaced by A.
Protein change: p.Glu396Lys; replaces glutamic acid 396 with lysine.
Molecular consequence: missense variant.
Genome position (GRCh38, 1-based): chr12:120,739,395, G>A. VCF-style: chr12-120739395-G-A. GRCh37 (hg19) VCF-style: chr12-121177198-G-A.
Other names: c.1174G>A, p.Glu392Lys (NM_001302554.2); short protein forms E392K, E396K.
Identifiers: ClinVar variation 2150989 (VCV002150989.6), dbSNP rs1883583628, ClinGen allele CA386601961.

ClinVar aggregate classification (germline): Conflicting classifications of pathogenicity. Review status: criteria provided, conflicting classifications (1 of 4 stars). 2 submissions from 2 submitters: Likely pathogenic (1); Uncertain significance (1). Last evaluated 2024-03-14.

Conditions:
Deficiency of butyryl-CoA dehydrogenase (ACADSD). Also called: SCAD Deficiency; SCAD DEFICIENCY, MILD; ACYL-CoA DEHYDROGENASE, SHORT-CHAIN, DEFICIENCY OF; SCADH DEFICIENCY; ACADS DEFICIENCY; Short-Chain Acyl-CoA Dehydrogenase Deficiency. Identifiers: Orphanet 26792, MedGen C0342783, MONDO:0008722, OMIM 201470. Disease mechanism: May be benign.

Allele frequency attached by ClinVar (database versions not stated): TOPMed below 0.00001.

Submissions (2):

Labcorp Genetics (formerly Invitae), Labcorp
Classification: Uncertain significance for Deficiency of butyryl-CoA dehydrogenase. Last evaluated: 2024-03-14. Review status: criteria provided, single submitter. Criteria: Invitae Variant Classification Sherloc (09022015). Collection method: clinical testing. Allele origin: germline.
Comment: This sequence change replaces glutamic acid, which is acidic and polar, with lysine, which is basic and polar, at codon 396 of the ACADS protein (p.Glu396Lys). This variant is not present in population databases (gnomAD no frequency). This variant has not been reported in the literature in individuals affected with ACADS-related conditions. ClinVar contains an entry for this variant (Variation ID: 2150989). Advanced modeling of protein sequence and biophysical properties (such as structural, functional, and spatial information, amino acid conservation, physicochemical variation, residue mobility, and thermodynamic stability) performed at Invitae indicates that this missense variant is expected to disrupt ACADS protein function with a positive predictive value of 95%. In summary, the available evidence is currently insufficient to determine the role of this variant in disease. Therefore, it has been classified as a Variant of Uncertain Significance.

Juno Genomics, Hangzhou Juno Genomics, Inc
Classification: Likely pathogenic for Deficiency of butyryl-CoA dehydrogenase. Review status: criteria provided, single submitter. Criteria: ACMG Guidelines, 2015. Collection method: clinical testing. Allele origin: germline.
Comment: Absent from controls (or at extremely low frequency if recessive) in Genome Aggregation Database.;Multiple lines of computational evidence support a deleterious effect on the gene or gene product.;For recessive disorders, detected in trans with a pathogenic variant.;Patient's phenotype or family history is highly specific for a disease with a single genetic etiology.